The following is an entry in ClinVar:

NM_032119.4(ADGRV1):c.12211del (p.Arg4071fs)

Gene: ADGRV1 (adhesion G protein-coupled receptor V1; plus strand). Cytogenetic location: 5q14.3.
Variant type: Deletion.
Coding change: c.12211del on transcript NM_032119.4 (MANE Select); coding-DNA position 12211, one base deleted (C; older notation c.12211delC).
Protein change: p.Arg4071fs; shifts the reading frame from arginine 4071.
Molecular consequence: frameshift variant. On other transcripts: non-coding transcript variant (1).
Genome position (GRCh38, 1-based): chr5:90,763,395, C deleted; the last of 2 consecutive C bases (chr5:90,763,394-90,763,395); deleting either gives the same sequence. VCF-style (leftmost placement, unchanged base first): chr5-90763393-TC-T. GRCh37 (hg19) VCF-style: chr5-90059210-TC-T.
Other names: short protein forms R4071fs.
Identifiers: ClinVar variation 1365590 (VCV001365590.6), dbSNP rs1756728108, ClinGen allele CA1562889903.

ClinVar aggregate classification (germline): Pathogenic (1 of 4 stars; one submission).

Submission:

Labcorp Genetics (formerly Invitae), Labcorp
Classification: Pathogenic. Last evaluated: 2022-02-09. Review status: criteria provided, single submitter. Criteria: Invitae Variant Classification Sherloc (09022015). Collection method: clinical testing. Allele origin: germline.
Comment: For these reasons, this variant has been classified as Pathogenic. This variant has not been reported in the literature in individuals affected with ADGRV1-related conditions. This variant is not present in population databases (gnomAD no frequency). This sequence change creates a premature translational stop signal (p.Arg4071Aspfs*6) in the ADGRV1 gene. It is expected to result in an absent or disrupted protein product. Loss-of-function variants in ADGRV1 are known to be pathogenic (PMID: 19357117, 22135276, 22147658, 26226137, 26667666, 30029497, 32467589).

Literature cited by the submitters: PubMed 19357117; PubMed 22135276; PubMed 22147658; PubMed 26226137; PubMed 26667666; PubMed 30029497; PubMed 32467589.